The following is an entry in ClinVar:

ClinVar aggregate classification (germline): Uncertain significance (1 of 4 stars; one submission).

Submission:

Women's Health and Genetics/Laboratory Corporation of America, LabCorp
Classification: Uncertain significance. Last evaluated: 2019-08-15. Review status: criteria provided, single submitter. Criteria: LabCorp Variant Classification Summary - May 2015. Collection method: clinical testing. Allele origin: germline.
Comment: Variant summary: CSF2RA c.1118A>T (p.Glu373Val) results in a non-conservative amino acid change in the encoded protein sequence. Four of five in-silico tools predict a damaging effect of the variant on protein function. The variant was absent in 251170 control chromosomes (gnomAD). The available data on variant occurrences in the general population are insufficient to allow any conclusion about variant significance. To our knowledge, no occurrence of c.1118A>T in individuals affected with Surfactant metabolism dysfunction, pulmonary, 4 and no experimental evidence demonstrating its impact on protein function have been reported. No clinical diagnostic laboratories have submitted clinical-significance assessments for this variant to ClinVar after 2014. Based on the evidence outlined above, the variant was classified as uncertain significance.

NM_172245.4(CSF2RA):c.1118A>T (p.Glu373Val)

Gene: CSF2RA (colony stimulating factor 2 receptor subunit alpha; plus strand). Cytogenetic location: Xp22.33.
Variant type: single nucleotide variant.
Coding change: c.1118A>T on transcript NM_172245.4 (MANE Select); coding-DNA position 1118, A replaced by T.
Protein change: p.Glu373Val; replaces glutamic acid 373 with valine.
Molecular consequence: missense variant. On other transcripts: 3 prime UTR variant (5), non-coding transcript variant (1), intron variant (1).
Genome position (GRCh38, 1-based): chrX:1,305,520, A>T. VCF-style: chrX-1305520-A-T. GRCh37 (hg19) VCF-style: chrX-1424413-A-T.
Other names: c.1118A>T, p.Glu373Val (NM_001161529.2, NM_001161531.2, NM_001379155.1 and 9 more transcripts); c.1220A>T, p.Glu407Val (NM_001161530.2, NM_001379153.1, NM_001379154.1); c.719A>T, p.Glu240Val (NM_001161532.2); c.1088A>T, p.Glu363Val (NM_001379160.1); c.929A>T, p.Glu310Val (NM_001379166.1); c.*19A>T (NM_001379167.1, NM_001379168.1, NM_001379169.1 and 2 more transcripts); c.947-3882A>T (NM_172246.4); short protein forms E240V, E310V, E363V, E373V, E407V.
Identifiers: ClinVar variation 929159 (VCV000929159.1), dbSNP rs2083468521, ClinGen allele CA412237172.
Genomic context (GRCh38, chrX:1,305,520, plus strand): 5'-AGCGGCTGTTCCCGCCAGTTCCACAGATCAAAGACAAACTGAATGATAACCATGAGGTGG[A>T]AGACGAGGTAGGCAGGGGTGGGCGGAGCAGTGACCTGGGATGGAAGGTGGGGAGTGGGGA-3'
Protein context (NP_758448.1, residues 363-383): KDKLNDNHEV[Glu373Val]DEIIWEEFTP